The following is an entry in ClinVar:

ClinVar aggregate classification (germline): Uncertain significance (1 of 4 stars; one submission).

Conditions:
Severe combined immunodeficiency due to CORO1A deficiency. Also called: Immunodeficiency 8; IMMUNODEFICIENCY 8 WITH LYMPHOPROLIFERATION. Identifiers: Orphanet 228003, MedGen C3809383, MONDO:0014168, OMIM 615401.

Allele frequency attached by ClinVar (database versions not stated): TOPMed below 0.00001.

Submission:

Labcorp Genetics (formerly Invitae), Labcorp
Classification: Uncertain significance for Severe combined immunodeficiency due to CORO1A deficiency. Last evaluated: 2025-11-03. Review status: criteria provided, single submitter. Criteria: Invitae Variant Classification Sherloc (09022015). Collection method: clinical testing. Allele origin: germline.
Comment: This sequence change replaces aspartic acid, which is acidic and polar, with glutamic acid, which is acidic and polar, at codon 183 of the CORO1A protein (p.Asp183Glu). This variant is not present in population databases (gnomAD no frequency). This variant has not been reported in the literature in individuals affected with CORO1A-related conditions. ClinVar contains an entry for this variant (Variation ID: 2093131). Invitae Evidence Modeling of protein sequence and biophysical properties (such as structural, functional, and spatial information, amino acid conservation, physicochemical variation, residue mobility, and thermodynamic stability) indicates that this missense variant is not expected to disrupt CORO1A protein function with a negative predictive value of 80%. In summary, the available evidence is currently insufficient to determine the role of this variant in disease. Therefore, it has been classified as a Variant of Uncertain Significance.

NM_007074.4(CORO1A):c.549C>G (p.Asp183Glu)

Genes: CORO1A (coronin 1A; plus strand), LOC121587541 (Sharpr-MPRA regulatory region 7413; plus strand). Cytogenetic location: 16p11.2.
Variant type: single nucleotide variant.
Coding change: c.549C>G on transcript NM_007074.4 (MANE Select); coding-DNA position 549, C replaced by G.
Protein change: p.Asp183Glu; replaces aspartic acid 183 with glutamic acid.
Molecular consequence: missense variant.
Genome position (GRCh38, 1-based): chr16:30,187,136, C>G. VCF-style: chr16-30187136-C-G. GRCh37 (hg19) VCF-style: chr16-30198457-C-G.
Other names: c.549C>G, p.Asp183Glu (NM_001193333.3); short protein forms D183E.
Identifiers: ClinVar variation 2093131 (VCV002093131.4), dbSNP rs1337369430, ClinGen allele CA395494398.